The following is an entry in ClinVar:

ClinVar aggregate classification (germline): Likely pathogenic. Review status: criteria provided, multiple submitters, no conflicts (2 of 4 stars). 4 submissions from 4 submitters: Likely pathogenic (4). Last evaluated 2025-11-07.

Conditions:
Familial cancer of breast. Also called: BREAST CANCER, FAMILIAL; Hereditary breast cancer; hereditary breast carcinoma. Identifiers: Orphanet 227535, MedGen C0346153, MONDO:0016419, OMIM 114480. Disease mechanism: loss of function.
Hereditary cancer-predisposing syndrome. Also called: Neoplastic Syndromes, Hereditary; Tumor predisposition; Hereditary Cancer Syndrome; Hereditary neoplastic syndrome. Identifiers: Orphanet 140162, MedGen C0027672, MeSH D009386, MONDO:0015356.

Submissions (4):

Ambry Genetics
Classification: Likely pathogenic for Hereditary cancer-predisposing syndrome. Last evaluated: 2025-11-07. Review status: criteria provided, single submitter. Criteria: Ambry Variant Classification Scheme 2023. Collection method: clinical testing. Allele origin: germline.
Comment: The c.909-1G>C intronic variant results from a G to C substitution one nucleotide upstream from coding exon 8 of the CHEK2 gene. This nucleotide position is highly conserved in available vertebrate species. In silico splice site analysis predicts that this alteration will weaken the native splice acceptor site and will result in the creation or strengthening of a novel splice acceptor site. Alterations that disrupt the canonical splice site are expected to cause aberrant splicing, resulting in an abnormal protein or a transcript that is subject to nonsense-mediated mRNA decay. This variant is considered to be rare based on population cohorts in the Genome Aggregation Database (gnomAD). Based on the majority of available evidence to date, this variant is likely to be pathogenic.

Sema4
Classification: Likely pathogenic for Hereditary cancer-predisposing syndrome. Last evaluated: 2022-02-07. Review status: criteria provided, single submitter. Criteria: Sema4 Curation Guidelines. Collection method: curation. Allele origin: germline.
Comment: To the best of our knowledge, the CHEK2 c.909-1G>C variant has not been reported in individuals with CHEK2-related disease. This variant affects a nucleotide within a consensus splice site of an intron. This variant may cause exon skipping, intron retention or use of a cryptic splice site. This variant is not reported in the population database Genome Aggregation Database (PMID: 32461654). The variant has been reported in ClinVar (Variation ID: 918406). Based on the current evidence available, this variant is interpreted as likely pathogenic.

Labcorp Genetics (formerly Invitae), Labcorp
Classification: Likely pathogenic for Familial cancer of breast. Last evaluated: 2020-11-14. Review status: criteria provided, single submitter. Criteria: Invitae Variant Classification Sherloc (09022015). Collection method: clinical testing. Allele origin: germline.
Comment: This variant has not been reported in the literature in individuals with CHEK2-related conditions. In summary, the currently available evidence indicates that the variant is pathogenic, but additional data are needed to prove that conclusively. Therefore, this variant has been classified as Likely Pathogenic. Algorithms developed to predict the effect of sequence changes on RNA splicing suggest that this variant may disrupt the consensus splice site, but this prediction has not been confirmed by published transcriptional studies. This sequence change affects an acceptor splice site in intron 8 of the CHEK2 gene. It is expected to disrupt RNA splicing. Variants that disrupt the donor or acceptor splice site typically lead to a loss of protein function (PMID: 16199547), and loss-of-function variants in CHEK2 are known to be pathogenic (PMID: 21876083, 24713400). This variant is not present in population databases (ExAC no frequency).

Color Diagnostics, LLC DBA Color Health
Classification: Likely pathogenic for Hereditary cancer-predisposing syndrome. Last evaluated: 2020-09-23. Review status: criteria provided, single submitter. Criteria: ACMG Guidelines, 2015. Collection method: clinical testing. Allele origin: germline.
Comment: This variant causes a G to C nucleotide substitution at the -1 position of intron 8 of the CHEK2 gene. Splice site prediction tools predict that this variant may have a significant impact on RNA splicing. To our knowledge, functional studies have not been reported for this variant. This variant has not been reported in individuals affected with hereditary cancer in the literature. However, a different variant at the same position, c.909-1G>A, has been observed in an individual affected with colorectal cancer (PMID: 31118792). This variant has not been identified in the general population by the Genome Aggregation Database (gnomAD). Loss of CHEK2 function is a known mechanism of disease. Based on the available evidence, this variant is classified as Likely Pathogenic.

Literature cited by the submitters: PubMed 16199547 (cited by Labcorp Genetics (formerly Invitae), Labcorp); PubMed 21876083 (cited by Labcorp Genetics (formerly Invitae), Labcorp); PubMed 24713400 (cited by Labcorp Genetics (formerly Invitae), Labcorp).

NM_007194.4(CHEK2):c.909-1G>C

Gene: CHEK2 (checkpoint kinase 2; minus strand). Cytogenetic location: 22q12.1.
Variant type: single nucleotide variant.
Coding change: c.909-1G>C on transcript NM_007194.4 (MANE Select); the canonical splice acceptor site of the intron before coding-DNA position 909, G replaced by C.
Molecular consequence: splice acceptor variant.
Genome position (GRCh38, 1-based): chr22:28,699,938, C>G on the plus strand (G>C on the coding strand, the complement: CHEK2 is on the minus strand). VCF-style: chr22-28699938-C-G. GRCh37 (hg19) VCF-style: chr22-29095926-C-G.
Other names: c.246-1G>C (NM_001437942.1, NM_001257387.3); c.708-1G>C (NM_001349956.3); c.909-1G>C (NM_145862.3); c.1002-1G>C (NM_001438295.1, NM_001438293.1); c.1038-1G>C (NM_001438294.1, NM_001005735.3).
Identifiers: ClinVar variation 918406 (VCV000918406.14), dbSNP rs886039721, ClinGen allele CA411100222.